The following is an entry in ClinVar:

ClinVar aggregate classification (germline): Uncertain significance (1 of 4 stars; one submission).

Conditions:
Hereditary cancer-predisposing syndrome. Also called: Neoplastic Syndromes, Hereditary; Tumor predisposition; Hereditary Cancer Syndrome; Hereditary neoplastic syndrome. Identifiers: Orphanet 140162, MedGen C0027672, MeSH D009386, MONDO:0015356.

Submission:

Ambry Genetics
Classification: Uncertain significance for Hereditary cancer-predisposing syndrome. Last evaluated: 2020-11-23. Review status: criteria provided, single submitter. Criteria: Ambry Variant Classification Scheme 2023. Collection method: clinical testing. Allele origin: germline.
Comment: The p.P600H variant (also known as c.1799C>A), located in coding exon 6 of the AXIN2 gene, results from a C to A substitution at nucleotide position 1799. The proline at codon 600 is replaced by histidine, an amino acid with similar properties. This amino acid position is not well conserved in available vertebrate species. In addition, this alteration is predicted to be tolerated by in silico analysis. Since supporting evidence is limited at this time, the clinical significance of this alteration remains unclear.

NM_004655.4(AXIN2):c.1799C>A (p.Pro600His)

Gene: AXIN2 (axin 2; minus strand). Cytogenetic location: 17q24.1.
Variant type: single nucleotide variant.
Coding change: c.1799C>A on transcript NM_004655.4 (MANE Select); coding-DNA position 1799, C replaced by A.
Protein change: p.Pro600His; replaces proline 600 with histidine.
Molecular consequence: missense variant. On other transcripts: intron variant (1).
Genome position (GRCh38, 1-based): chr17:65,536,977, G>T on the plus strand (C>A on the coding strand, the complement: AXIN2 is on the minus strand). VCF-style: chr17-65536977-G-T. GRCh37 (hg19) VCF-style: chr17-63533095-G-T.
Other names: c.1712+347C>A (NM_001363813.1); short protein forms P600H.
Identifiers: ClinVar variation 1780307 (VCV001780307.2), dbSNP rs2509407903, ClinGen allele CA400676597.